The following is an entry in ClinVar:

NM_022788.5(P2RY12):c.897T>A (p.Phe299Leu)

Genes: MED12L (mediator complex subunit 12L; plus strand), P2RY12 (purinergic receptor P2Y12; minus strand). Cytogenetic location: 3q25.1.
Variant type: single nucleotide variant.
Coding change: c.897T>A on transcript NM_022788.5 (MANE Select); coding-DNA position 897, T replaced by A.
Protein change: p.Phe299Leu; replaces phenylalanine 299 with leucine.
Molecular consequence: missense variant. On other transcripts: intron variant (2).
Genome position (GRCh38, 1-based): chr3:151,337,949, A>T on the plus strand (T>A on the coding strand, the complement: P2RY12 is on the minus strand). VCF-style: chr3-151337949-A-T. GRCh37 (hg19) VCF-style: chr3-151055737-A-T.
Other names: c.897T>A, p.Phe299Leu (NM_176876.3); c.2251-12110A>T (NM_001393769.1); c.2146-12110A>T (NM_053002.6); short protein forms F299L.
Identifiers: ClinVar variation 4717126 (VCV004717126.1).

ClinVar aggregate classification (germline): Uncertain significance (1 of 4 stars; one submission).

Submission:

Labcorp Genetics (formerly Invitae), Labcorp
Classification: Uncertain significance. Last evaluated: 2025-04-10. Review status: criteria provided, single submitter. Criteria: Invitae Variant Classification Sherloc (09022015). Collection method: clinical testing. Allele origin: germline.
Comment: This sequence change replaces phenylalanine, which is neutral and non-polar, with leucine, which is neutral and non-polar, at codon 299 of the P2RY12 protein (p.Phe299Leu). This variant is not present in population databases (gnomAD no frequency). This variant has not been reported in the literature in individuals affected with P2RY12-related conditions. An algorithm developed to predict the effect of missense changes on protein structure and function (PolyPhen-2) suggests that this variant is likely to be tolerated. In summary, the available evidence is currently insufficient to determine the role of this variant in disease. Therefore, it has been classified as a Variant of Uncertain Significance.